The following is an entry in ClinVar:

ClinVar aggregate classification (germline): Pathogenic/Likely pathogenic. Review status: criteria provided, multiple submitters, no conflicts (2 of 4 stars). 2 submissions from 2 submitters: Pathogenic (1); Likely pathogenic (1). Last evaluated 2024-04-05.

Conditions:
Seizures, benign familial infantile, 3 (BFIS3). Also called: CONVULSIONS, BENIGN FAMILIAL INFANTILE, 3; Familial neonatal seizures. Identifiers: Orphanet 140927, Orphanet 306, MedGen C1843140, MONDO:0011904, OMIM 607745.
Developmental and epileptic encephalopathy, 11 (DEE11). Also called: Early infantile epileptic encephalopathy 11. Identifiers: Orphanet 1934, MedGen C3150987, MONDO:0013388, OMIM 613721.

Submissions (2):

Labcorp Genetics (formerly Invitae), Labcorp
Classification: Pathogenic for Seizures, benign familial infantile, 3; Developmental and epileptic encephalopathy, 11. Last evaluated: 2024-04-05. Review status: criteria provided, single submitter. Criteria: Invitae Variant Classification Sherloc (09022015). Collection method: clinical testing. Allele origin: germline.
Comment: This sequence change replaces leucine, which is neutral and non-polar, with tryptophan, which is neutral and slightly polar, at codon 983 of the SCN2A protein (p.Leu983Trp). This variant is not present in population databases (gnomAD no frequency). This missense change has been observed in individual(s) with early infantile epileptic encephalopathy (PMID: 27290639). In at least one individual the variant was observed to be de novo. ClinVar contains an entry for this variant (Variation ID: 938446). Advanced modeling of protein sequence and biophysical properties (such as structural, functional, and spatial information, amino acid conservation, physicochemical variation, residue mobility, and thermodynamic stability) performed at Invitae indicates that this missense variant is expected to disrupt SCN2A protein function with a positive predictive value of 95%. For these reasons, this variant has been classified as Pathogenic.

GeneDx
Classification: Likely pathogenic. Last evaluated: 2022-09-12. Review status: criteria provided, single submitter. Criteria: GeneDx Variant Classification Process June 2021. Collection method: clinical testing. Allele origin: germline. Affected: yes.
Comment: In silico analysis supports that this missense variant has a deleterious effect on protein structure/function; Missense variants in this gene are often considered pathogenic (HGMD); This substitution is predicted to be within the transmembrane segment S6 of the second homologous domain; Not observed at significant frequency in large population cohorts (gnomAD); This variant is associated with the following publications: (PMID: 27290639, 24077912)

Literature cited by the submitters: PubMed 27290639 (cited by Labcorp Genetics (formerly Invitae), Labcorp).

NM_001040142.2(SCN2A):c.2948T>G (p.Leu983Trp)

Gene: SCN2A (sodium voltage-gated channel alpha subunit 2; plus strand). Cytogenetic location: 2q24.3.
Variant type: single nucleotide variant.
Coding change: c.2948T>G on transcript NM_001040142.2 (MANE Select); coding-DNA position 2948, T replaced by G.
Protein change: p.Leu983Trp; replaces leucine 983 with tryptophan.
Molecular consequence: missense variant.
Genome position (GRCh38, 1-based): chr2:165,354,220, T>G. VCF-style: chr2-165354220-T-G. GRCh37 (hg19) VCF-style: chr2-166210730-T-G.
Other names: c.2948T>G, p.Leu983Trp (NM_001040143.2, NM_001371246.1, NM_001371247.1 and 1 more transcripts); short protein forms L983W.
Identifiers: ClinVar variation 938446 (VCV000938446.10), dbSNP rs1553583560, ClinGen allele CA349019434.
Genomic context (GRCh38, chr2:165,354,220, plus strand): 5'-TTTGATCACCTGTTTTTCCTGCTGTGTTTCAGGTTCTGAACCTCTTCTTGGCCTTGCTTT[T>G]GAGTTCCTTCAGTTCTGACAATCTTGCTGCCACTGATGATGATAACGAAATGAATAATCT-3'
Protein context (NP_001035232.1, residues 973-993): VVLNLFLALL[Leu983Trp]SSFSSDNLAA